The following is an entry in ClinVar:

NM_000821.7(GGCX):c.2256T>G (p.Asp752Glu)

Gene: GGCX (gamma-glutamyl carboxylase; minus strand). Cytogenetic location: 2p11.2.
Variant type: single nucleotide variant.
Coding change: c.2256T>G on transcript NM_000821.7 (MANE Select); coding-DNA position 2256, T replaced by G.
Protein change: p.Asp752Glu; replaces aspartic acid 752 with glutamic acid.
Molecular consequence: missense variant.
Genome position (GRCh38, 1-based): chr2:85,549,955, A>C on the plus strand (T>G on the coding strand, the complement: GGCX is on the minus strand). VCF-style: chr2-85549955-A-C. GRCh37 (hg19) VCF-style: chr2-85777078-A-C.
Other names: c.2085T>G, p.Asp695Glu (NM_001142269.4); short protein forms D695E, D752E.
Identifiers: ClinVar variation 1362342 (VCV001362342.5), dbSNP rs777597481, ClinGen allele CA1741594.

ClinVar aggregate classification (germline): Uncertain significance (1 of 4 stars; one submission).

Allele frequency attached by ClinVar (database versions not stated): TOPMed below 0.00001; gnomAD exomes 0.00001; ExAC 0.00002.
gnomAD v4.1: 8 of 1,613,348 alleles (0.0005%); highest among the groups gnomAD compares: Non-Finnish European, 0.00068%; no homozygotes.

Submission:

Labcorp Genetics (formerly Invitae), Labcorp
Classification: Uncertain significance. Last evaluated: 2021-09-24. Review status: criteria provided, single submitter. Criteria: Invitae Variant Classification Sherloc (09022015). Collection method: clinical testing. Allele origin: germline.
Comment: This sequence change replaces aspartic acid with glutamic acid at codon 752 of the GGCX protein (p.Asp752Glu). The aspartic acid residue is weakly conserved and there is a small physicochemical difference between aspartic acid and glutamic acid. This variant is present in population databases (rs777597481, ExAC 0.003%). This variant has not been reported in the literature in individuals with GGCX-related conditions. Algorithms developed to predict the effect of missense changes on protein structure and function output the following: SIFT: "Tolerated"; PolyPhen-2: "Benign"; Align-GVGD: "Class C0". The glutamic acid amino acid residue is found in multiple mammalian species, suggesting that this missense change does not adversely affect protein function. These predictions have not been confirmed by published functional studies and their clinical significance is uncertain. In summary, the available evidence is currently insufficient to determine the role of this variant in disease. Therefore, it has been classified as a Variant of Uncertain Significance.